The following is an entry in ClinVar:

ClinVar aggregate classification (germline): Uncertain significance. Review status: criteria provided, multiple submitters, no conflicts (2 of 4 stars). 3 submissions from 3 submitters: Uncertain significance (2). 1 of the submissions does not count toward it. Last evaluated 2025-06-27.

Conditions:
MAP2K2-related disorder. Also called: MAP2K2-related condition.
RASopathy. Also called: Noonan spectrum disorder; rasopathies. Identifiers: Orphanet 536391, MedGen C5555857, MONDO:0021060.
Hypotension. Also called: low blood pressure; Hypotensive disorder. Identifiers: MedGen C0020649, MONDO:0005468, HP:0002615, MeSH D007022.
Malar flattening. Also called: Flat midface. Identifiers: MedGen C1858085, HP:0000272.
Pain. Identifiers: MedGen C0030193, HP:0012531.
Mitral valve prolapse. Identifiers: MedGen C0026267, MONDO:0004910, HP:0001634.
Abnormal facial shape. Also called: Dysmorphic facial features; Dysmorphic facies. Identifiers: MedGen C0424503, HP:0001999.
Short stature. Identifiers: MedGen C0349588, HP:0004322.
High palate. Identifiers: MedGen C0240635, HP:0000218.
Migraine. Also called: Migraine disorder. Identifiers: MedGen C0149931, MONDO:0005277, HP:0002076.
Thin skin. Identifiers: MedGen C0423757, HP:0000963.

Allele frequency attached by ClinVar (database versions not stated): gnomAD 0.00001; gnomAD exomes 0.00001; TOPMed 0.00001.
gnomAD v4.1: 9 of 1,603,560 alleles (0.00056%); highest among the groups gnomAD compares: Non-Finnish European, 0.00068%; no homozygotes.

Submissions (3):

Labcorp Genetics (formerly Invitae), Labcorp
Classification: Uncertain significance for RASopathy. Last evaluated: 2025-06-27. Review status: criteria provided, single submitter. Criteria: Invitae Variant Classification Sherloc (09022015). Collection method: clinical testing. Allele origin: germline.
Comment: This sequence change replaces lysine, which is basic and polar, with glutamic acid, which is acidic and polar, at codon 172 of the MAP2K2 protein (p.Lys172Glu). This variant is not present in population databases (gnomAD no frequency). This variant has not been reported in the literature in individuals affected with MAP2K2-related conditions. ClinVar contains an entry for this variant (Variation ID: 523536). Invitae Evidence Modeling of protein sequence and biophysical properties (such as structural, functional, and spatial information, amino acid conservation, physicochemical variation, residue mobility, and thermodynamic stability) indicates that this missense variant is not expected to disrupt MAP2K2 protein function with a negative predictive value of 95%. In summary, the available evidence is currently insufficient to determine the role of this variant in disease. Therefore, it has been classified as a Variant of Uncertain Significance.

Centre for Mendelian Genomics, University Medical Centre Ljubljana
Classification: Uncertain significance for Abnormal facial shape; High palate; Hypotension; Malar flattening; Migraine; Mitral valve prolapse; Pain; Short stature; Thin skin. Last evaluated: 2017-01-01. Review status: criteria provided, single submitter. Criteria: ACMG Guidelines, 2015. Collection method: clinical testing. Allele origin: unknown. Affected: yes.

PreventionGenetics, part of Exact Sciences
Classification: Uncertain significance for MAP2K2-related condition. Last evaluated: 2024-03-07. Review status: no assertion criteria provided. Collection method: clinical testing. Allele origin: germline. Not counted in ClinVar's aggregate classification.
Comment: The MAP2K2 c.514A>G variant is predicted to result in the amino acid substitution p.Lys172Glu. To our knowledge, this variant has not been reported in the literature or in a large population database, indicating this variant is rare. At this time, the clinical significance of this variant is uncertain due to the absence of conclusive functional and genetic evidence.

NM_030662.4(MAP2K2):c.514A>G (p.Lys172Glu)

Gene: MAP2K2 (mitogen-activated protein kinase kinase 2; minus strand). Cytogenetic location: 19p13.3.
Variant type: single nucleotide variant.
Coding change: c.514A>G on transcript NM_030662.4 (MANE Select); coding-DNA position 514, A replaced by G.
Protein change: p.Lys172Glu; replaces lysine 172 with glutamic acid.
Molecular consequence: missense variant.
Genome position (GRCh38, 1-based): chr19:4,102,390, T>C on the plus strand (A>G on the coding strand, the complement: MAP2K2 is on the minus strand). VCF-style: chr19-4102390-T-C. GRCh37 (hg19) VCF-style: chr19-4102388-T-C.
Other names: short protein forms K172E.
Identifiers: ClinVar variation 523536 (VCV000523536.9), dbSNP rs1413580671, ClinGen allele CA403390071.